The following is an entry in ClinVar:

ClinVar aggregate classification (germline): Uncertain significance (1 of 4 stars; one submission).

Allele frequency attached by ClinVar (database versions not stated): gnomAD 0.00001.
gnomAD v4.1: 10 of 1,613,156 alleles (0.00062%); highest among the groups gnomAD compares: Non-Finnish European, 0.00085%; no homozygotes.

Submission:

Labcorp Genetics (formerly Invitae), Labcorp
Classification: Uncertain significance. Last evaluated: 2022-05-27. Review status: criteria provided, single submitter. Criteria: Invitae Variant Classification Sherloc (09022015). Collection method: clinical testing. Allele origin: germline.
Comment: This variant is present in population databases (no rsID available, gnomAD 0.0009%). In summary, the available evidence is currently insufficient to determine the role of this variant in disease. Therefore, it has been classified as a Variant of Uncertain Significance. Algorithms developed to predict the effect of missense changes on protein structure and function (SIFT, PolyPhen-2, Align-GVGD) all suggest that this variant is likely to be tolerated. This variant has not been reported in the literature in individuals affected with DRAM2-related conditions. This sequence change replaces histidine, which is basic and polar, with arginine, which is basic and polar, at codon 79 of the DRAM2 protein (p.His79Arg).

NM_001349884.2(DRAM2):c.236A>G (p.His79Arg)

Gene: DRAM2 (DNA damage regulated autophagy modulator 2; minus strand). Cytogenetic location: 1p13.3.
Variant type: single nucleotide variant.
Coding change: c.236A>G on transcript NM_001349884.2 (MANE Select); coding-DNA position 236, A replaced by G.
Protein change: p.His79Arg; replaces histidine 79 with arginine.
Molecular consequence: missense variant. On other transcripts: 5 prime UTR variant (1), non-coding transcript variant (3), intron variant (7).
Genome position (GRCh38, 1-based): chr1:111,124,845, T>C on the plus strand (A>G on the coding strand, the complement: DRAM2 is on the minus strand). VCF-style: chr1-111124845-T-C. GRCh37 (hg19) VCF-style: chr1-111667467-T-C.
Other names: c.236A>G, p.His79Arg (NM_001349881.2, NM_001349882.2, NM_001349885.2 and 1 more transcripts); c.-183A>G (NM_001349891.2); c.-52+1382A>G (NM_001349889.2, NM_001349890.2, NM_001349892.2 and 1 more transcripts); c.41+1382A>G (NM_001349887.2, NM_001349886.2, NM_001349888.2); short protein forms H79R.
Identifiers: ClinVar variation 1964401 (VCV001964401.5), dbSNP rs1202640098, ClinGen allele CA341819354.